The following is an entry in ClinVar:

NM_000256.3(MYBPC3):c.2310C>A (p.Asp770Glu)

Gene: MYBPC3 (myosin binding protein C3; minus strand). Cytogenetic location: 11p11.2.
Variant type: single nucleotide variant.
Coding change: c.2310C>A on transcript NM_000256.3 (MANE Select); coding-DNA position 2310, C replaced by A.
Protein change: p.Asp770Glu; replaces aspartic acid 770 with glutamic acid.
Molecular consequence: missense variant.
Genome position (GRCh38, 1-based): chr11:47,337,793, G>T on the plus strand (C>A on the coding strand, the complement: MYBPC3 is on the minus strand). VCF-style: chr11-47337793-G-T. GRCh37 (hg19) VCF-style: chr11-47359344-G-T.
Other names: short protein forms D770E.
Identifiers: ClinVar variation 3073679 (VCV003073679.2), dbSNP rs397515959, ClinGen allele CA221689026.

ClinVar aggregate classification (germline): Uncertain significance. Review status: criteria provided, multiple submitters, no conflicts (2 of 4 stars). 2 submissions from 2 submitters: Uncertain significance (2). Last evaluated 2024-08-14.

Conditions:
Hypertrophic cardiomyopathy. Also called: HYPERTROPHIC MYOCARDIOPATHY. Identifiers: Orphanet 217569, MedGen C0007194, MeSH D002312, MONDO:0005045, HP:0001639.

gnomAD v4.1: 2 of 1,550,638 alleles (0.00013%); highest among the groups gnomAD compares: African/African-American, 0.0027%; no homozygotes.

Submissions (2):

GeneDx
Classification: Uncertain significance. Last evaluated: 2024-08-14. Review status: criteria provided, single submitter. Criteria: GeneDx Variant Classification Process June 2021. Collection method: clinical testing. Allele origin: germline. Affected: yes.
Comment: Has not been previously published as pathogenic or benign to our knowledge; Not observed at significant frequency in large population cohorts (gnomAD); In silico analysis supports that this missense variant has a deleterious effect on protein structure/function; In silico analysis suggests this variant may impact gene splicing. In the absence of RNA/functional studies, the actual effect of this sequence change is unknown.

All of Us Research Program, National Institutes of Health
Classification: Uncertain significance for Hypertrophic cardiomyopathy. Last evaluated: 2023-10-06. Review status: criteria provided, single submitter. Criteria: ACMG Guidelines, 2015. Collection method: clinical testing. Allele origin: germline. Inheritance: Autosomal dominant inheritance. Observed: 1 variant allele, 1 heterozygote.
Comment: This missense variant replaces aspartic acid with glutamic acid at codon 770 of the MYBPC3 protein. Computational prediction suggests that this variant may not impact protein structure and function (internally defined REVEL score threshold <= 0.5, PMID: 27666373). To our knowledge, functional studies have not been reported for this variant. This variant has not been reported in individuals affected with MYBPC3-related disorders in the literature. This variant has not been identified in the general population by the Genome Aggregation Database (gnomAD). The available evidence is insufficient to determine the role of this variant in disease conclusively. Therefore, this variant is classified as a Variant of Uncertain Significance.

This study involves interpretation of variants in research participants for the purpose of population health screening. Participant phenotype was not available at the time of variant classification. Additional details can be found in publication PMID: 35346344, PMCID: PMC8962531